The following is an entry in ClinVar:

ClinVar aggregate classification (germline): Conflicting classifications of pathogenicity. Review status: criteria provided, conflicting classifications (1 of 4 stars). 2 submissions from 2 submitters: Uncertain significance (1); Likely benign (1). Last evaluated 2026-08-24.

Allele frequency attached by ClinVar (database versions not stated): ESP Exome Variant Server 0.00023; gnomAD 0.00068.
gnomAD v4.1: 1,099 of 1,614,048 alleles (0.068%); highest among the groups gnomAD compares: Non-Finnish European, 0.084%; 3 homozygotes.

Submissions (2):

GeneDx
Classification: Uncertain significance. Last evaluated: 2026-08-24. Review status: criteria provided, single submitter. Criteria: GeneDx Variant Classification Process June 2021. Collection method: clinical testing. Allele origin: germline.
Comment: Published functional studies demonstrate a damaging effect: decreased cell adhesion and decreased binding to scaffold protein talin (PMID: 27895300, 29069646); In silico analysis supports that this missense variant has a deleterious effect on protein structure/function; This variant is associated with the following publications: (PMID: 34426522, 29069646, 27895300)

CeGaT Center for Human Genetics Tuebingen
Classification: Likely benign. Last evaluated: 2026-07-01. Review status: criteria provided, single submitter. Criteria: CeGaT Center For Human Genetics Tuebingen Variant Classification Criteria Version 2. Collection method: clinical testing. Allele origin: germline. Affected: yes. Observed: 2 variant alleles.
Comment: THSD1: BP4, BS1

NM_018676.4(THSD1):c.1799G>A (p.Gly600Glu)

Gene: THSD1 (thrombospondin type 1 domain containing 1; minus strand). Cytogenetic location: 13q14.3.
Variant type: single nucleotide variant.
Coding change: c.1799G>A on transcript NM_018676.4 (MANE Select); coding-DNA position 1799, G replaced by A.
Protein change: p.Gly600Glu; replaces glycine 600 with glutamic acid.
Molecular consequence: missense variant.
Genome position (GRCh38, 1-based): chr13:52,378,171, C>T on the plus strand (G>A on the coding strand, the complement: THSD1 is on the minus strand). VCF-style: chr13-52378171-C-T. GRCh37 (hg19) VCF-style: chr13-52952306-C-T.
Other names: c.1799G>A (NM_018676.3); c.1640G>A, p.Gly547Glu (NM_199263.3); short protein forms G547E, G600E.
Identifiers: ClinVar variation 2643828 (VCV002643828.26), dbSNP rs141140186, ClinGen allele CA6991914.